The following is an entry in ClinVar:

ClinVar aggregate classification (germline): Benign. Review status: criteria provided, multiple submitters, no conflicts (2 of 4 stars). 2 submissions from 2 submitters: Benign (2). Last evaluated 2018-06-14.

Allele frequency attached by ClinVar (database versions not stated): ExAC 0.00539; gnomAD 0.00737 and 0.00738; TOPMed 0.00804; 1000 Genomes Project 0.00879; 1000 Genomes Project 30x 0.00921; gnomAD exomes 0.01716 and 0.00503.
gnomAD v4.1: 6,318 of 1,162,984 alleles (0.54%); highest among the groups gnomAD compares: Admixed American, 7.6%; 195 homozygotes.

Submissions (2):

GeneDx
Classification: Benign. Last evaluated: 2018-06-14. Review status: criteria provided, single submitter. Criteria: GeneDx Variant Classification (06012015). Collection method: clinical testing. Allele origin: germline. Affected: yes.
Comment: This variant is considered likely benign or benign based on one or more of the following criteria: it is a conservative change, it occurs at a poorly conserved position in the protein, it is predicted to be benign by multiple in silico algorithms, and/or has population frequency not consistent with disease.

Breakthrough Genomics
Classification: Benign. Review status: criteria provided, single submitter. Criteria: ACMG Guidelines, 2015. Collection method: not provided. Allele origin: germline. Inheritance: Autosomal dominant inheritance. Affected: yes.

NM_001844.5(COL2A1):c.85+77G>C

Gene: COL2A1 (collagen type II alpha 1 chain; minus strand). Cytogenetic location: 12q13.11.
Variant type: single nucleotide variant.
Coding change: c.85+77G>C on transcript NM_001844.5 (MANE Select); 77 bases into the intron after coding-DNA position 85, G replaced by C.
Molecular consequence: intron variant.
Genome position (GRCh38, 1-based): chr12:48,004,160, C>G on the plus strand (G>C on the coding strand, the complement: COL2A1 is on the minus strand). VCF-style: chr12-48004160-C-G. GRCh37 (hg19) VCF-style: chr12-48397943-C-G.
Other names: c.85+77G>C (NM_033150.3).
Identifiers: ClinVar variation 676687 (VCV000676687.2), dbSNP rs190907971, ClinGen allele CA6536115.